The following is an entry in ClinVar:

NM_000080.4(CHRNE):c.58G>C (p.Gly20Arg)

Genes: C17orf107 (chromosome 17 open reading frame 107; plus strand), CHRNE (cholinergic receptor nicotinic epsilon subunit; minus strand). Cytogenetic location: 17p13.2.
Variant type: single nucleotide variant.
Coding change: c.58G>C on transcript NM_000080.4 (MANE Select); coding-DNA position 58, G replaced by C.
Protein change: p.Gly20Arg; replaces glycine 20 with arginine.
Molecular consequence: missense variant. On other transcripts: 3 prime UTR variant (1).
Genome position (GRCh38, 1-based): chr17:4,902,752, C>G on the plus strand (G>C on the coding strand, the complement: CHRNE is on the minus strand). VCF-style: chr17-4902752-C-G. GRCh37 (hg19) VCF-style: chr17-4806047-C-G.
Other names: c.*2219C>G (NM_001145536.2); short protein forms G20R.
Identifiers: ClinVar variation 3253226 (VCV003253226.1), dbSNP rs1970033314.

ClinVar aggregate classification (germline): Uncertain significance (1 of 4 stars; one submission).

gnomAD v4.1: 2 of 1,614,036 alleles (0.00012%); highest among the groups gnomAD compares: Non-Finnish European, 0.00017%; no homozygotes.

Submission:

GeneDx
Classification: Uncertain significance. Last evaluated: 2023-12-08. Review status: criteria provided, single submitter. Criteria: GeneDx Variant Classification Process June 2021. Collection method: clinical testing. Allele origin: germline. Affected: yes.
Comment: Not observed at significant frequency in large population cohorts (gnomAD); In silico analysis supports that this missense variant does not alter protein structure/function; Has not been previously published as pathogenic or benign to our knowledge